The following is an entry in ClinVar:

NM_001558.4(IL10RA):c.1669C>T (p.Leu557Phe)

Gene: IL10RA (interleukin 10 receptor subunit alpha; plus strand). Cytogenetic location: 11q23.3.
Variant type: single nucleotide variant.
Coding change: c.1669C>T on transcript NM_001558.4 (MANE Select); coding-DNA position 1669, C replaced by T.
Protein change: p.Leu557Phe; replaces leucine 557 with phenylalanine.
Molecular consequence: missense variant. On other transcripts: non-coding transcript variant (1).
Genome position (GRCh38, 1-based): chr11:117,999,573, C>T. VCF-style: chr11-117999573-C-T. GRCh37 (hg19) VCF-style: chr11-117870288-C-T.
Other names: short protein forms L557F.
Identifiers: ClinVar variation 3015872 (VCV003015872.3), dbSNP rs2496794620, ClinGen allele CA382782719.

ClinVar aggregate classification (germline): Uncertain significance (1 of 4 stars; one submission).

Conditions:
Inflammatory bowel disease 28. Also called: Inflammatory bowel disease 28, early onset, autosomal recessive. Identifiers: Orphanet 238569, MedGen C2751053, MONDO:0013153, OMIM 613148.

Allele frequency attached by ClinVar (database versions not stated): gnomAD exomes below 0.00001.
gnomAD v4.1: 1 of 1,614,188 alleles (0.000062%); highest among the groups gnomAD compares: African/African-American, 0.0013%; no homozygotes.

Submission:

Labcorp Genetics (formerly Invitae), Labcorp
Classification: Uncertain significance for Inflammatory bowel disease 28. Last evaluated: 2023-04-20. Review status: criteria provided, single submitter. Criteria: Invitae Variant Classification Sherloc (09022015). Collection method: clinical testing. Allele origin: germline.
Comment: In summary, the available evidence is currently insufficient to determine the role of this variant in disease. Therefore, it has been classified as a Variant of Uncertain Significance. Advanced modeling of protein sequence and biophysical properties (such as structural, functional, and spatial information, amino acid conservation, physicochemical variation, residue mobility, and thermodynamic stability) performed at Invitae indicates that this missense variant is not expected to disrupt IL10RA protein function. This variant has not been reported in the literature in individuals affected with IL10RA-related conditions. This variant is not present in population databases (gnomAD no frequency). This sequence change replaces leucine, which is neutral and non-polar, with phenylalanine, which is neutral and non-polar, at codon 557 of the IL10RA protein (p.Leu557Phe).